The following is an entry in ClinVar:

ClinVar aggregate classification (germline): Uncertain significance (1 of 4 stars; one submission).

Allele frequency attached by ClinVar (database versions not stated): gnomAD exomes below 0.00001; ExAC 0.00001.
gnomAD v4.1: 1 of 1,612,738 alleles (0.000062%); highest among the groups gnomAD compares: Admixed American, 0.0017%; no homozygotes.

Submission:

Labcorp Genetics (formerly Invitae), Labcorp
Classification: Uncertain significance. Last evaluated: 2024-06-03. Review status: criteria provided, single submitter. Criteria: Invitae Variant Classification Sherloc (09022015). Collection method: clinical testing. Allele origin: germline.
Comment: This sequence change creates a premature translational stop signal (p.Ser129*) in the GABRB1 gene. It is expected to result in an absent or disrupted protein product. However, the current clinical and genetic evidence is not sufficient to establish whether loss-of-function variants in GABRB1 cause disease. This variant is present in population databases (rs760523333, gnomAD 0.006%). This premature translational stop signal has been observed in individual(s) with clinical features of GABRB1-related conditions (Invitae). ClinVar contains an entry for this variant (Variation ID: 2124218). In summary, the available evidence is currently insufficient to determine the role of this variant in disease. Therefore, it has been classified as a Variant of Uncertain Significance.

NM_000812.4(GABRB1):c.386C>G (p.Ser129Ter)

Gene: GABRB1 (gamma-aminobutyric acid type A receptor subunit beta1; plus strand). Cytogenetic location: 4p12.
Variant type: single nucleotide variant.
Coding change: c.386C>G on transcript NM_000812.4 (MANE Select); coding-DNA position 386, C replaced by G.
Protein change: p.Ser129Ter; replaces serine 129 with a stop codon.
Molecular consequence: nonsense.
Genome position (GRCh38, 1-based): chr4:47,161,394, C>G. VCF-style: chr4-47161394-C-G. GRCh37 (hg19) VCF-style: chr4-47163411-C-G.
Other names: short protein forms S129*.
Identifiers: ClinVar variation 2124218 (VCV002124218.4), dbSNP rs760523333, ClinGen allele CA2907584.
Genomic context (GRCh38, chr4:47,161,394, plus strand): 5'-ACAATAGGGTAGCTGACCAACTCTGGGTACCAGACACCTACTTTCTGAATGACAAGAAAT[C>G]ATTTGTGCATGGGGTCACAGTGAAAAATCGAATGATTCGACTGCATCCTGATGGAACAGT-3'